The following is an entry in ClinVar:

ClinVar aggregate classification (germline): Likely pathogenic. Review status: criteria provided, multiple submitters, no conflicts (2 of 4 stars). 2 submissions from 2 submitters: Likely pathogenic (2). Last evaluated 2025-09-01.

Conditions:
Propionic acidemia (PROP). Also called: GLYCINEMIA, KETOTIC; HYPERGLYCINEMIA WITH KETOACIDOSIS AND LEUKOPENIA; KETOTIC HYPERGLYCINEMIA. Identifiers: Orphanet 35, MedGen C0268579, MONDO:0011628, OMIM 606054, HP:0003571.

Allele frequency attached by ClinVar (database versions not stated): gnomAD exomes 0.00001 and 0.00002; ExAC 0.00002.

Submissions (2):

Labcorp Genetics (formerly Invitae), Labcorp
Classification: Likely pathogenic for Propionic acidemia. Last evaluated: 2025-09-01. Review status: criteria provided, single submitter. Criteria: Invitae Variant Classification Sherloc (09022015). Collection method: clinical testing. Allele origin: germline.
Comment: This sequence change replaces arginine, which is basic and polar, with histidine, which is basic and polar, at codon 230 of the PCCA protein (p.Arg230His). This variant is present in population databases (rs747943045, gnomAD 0.005%). This variant has not been reported in the literature in individuals affected with PCCA-related conditions. ClinVar contains an entry for this variant (Variation ID: 1510205). Invitae Evidence Modeling of protein sequence and biophysical properties (such as structural, functional, and spatial information, amino acid conservation, physicochemical variation, residue mobility, and thermodynamic stability) indicates that this missense variant is expected to disrupt PCCA protein function with a positive predictive value of 80%. This variant disrupts the p.Arg230 amino acid residue in PCCA. Other variant(s) that disrupt this residue have been determined to be pathogenic (PMID: 30274917; internal data). This suggests that this residue is clinically significant, and that variants that disrupt this residue are likely to be disease-causing. In summary, the currently available evidence indicates that the variant is pathogenic, but additional data are needed to prove that conclusively. Therefore, this variant has been classified as Likely Pathogenic.

Laboratory of Genetics, Children's Clinical University Hospital Latvia
Classification: Likely pathogenic. Last evaluated: 2025-02-16. Review status: criteria provided, single submitter. Criteria: ACMG Guidelines, 2015. Collection method: clinical testing. Allele origin: germline. Affected: yes.

Literature cited by the submitters: PubMed 30274917 (cited by Labcorp Genetics (formerly Invitae), Labcorp).

NM_000282.4(PCCA):c.689G>A (p.Arg230His)

Gene: PCCA (propionyl-CoA carboxylase subunit alpha; plus strand). Cytogenetic location: 13q32.3.
Variant type: single nucleotide variant.
Coding change: c.689G>A on transcript NM_000282.4 (MANE Select); coding-DNA position 689, G replaced by A.
Protein change: p.Arg230His; replaces arginine 230 with histidine.
Molecular consequence: missense variant. On other transcripts: non-coding transcript variant (5), intron variant (3).
Genome position (GRCh38, 1-based): chr13:100,257,646, G>A. VCF-style: chr13-100257646-G-A. GRCh37 (hg19) VCF-style: chr13-100909900-G-A.
Other names: c.611G>A, p.Arg204His (NM_001127692.3, NM_001352607.2, NM_001352608.2); c.689G>A, p.Arg230His (NM_001178004.2, NM_001352605.2, NM_001352606.2 and 1 more transcripts); c.-229-5083G>A (NM_001352610.2, NM_001352611.2, NM_001352612.2); short protein forms R204H, R230H.
Identifiers: ClinVar variation 1510205 (VCV001510205.7), dbSNP rs747943045, ClinGen allele CA7033332.
Genomic context (GRCh38, chr13:100,257,646, plus strand): 5'-TGCTGTTAGGCTACCCTGTCATGATCAAGGCCTCAGCAGGTGGTGGTGGGAAAGGCATGC[G>A]CATTGCTTGGGATGATGAAGAGACCAGGTGAGAGGCTGTCCAAAATATACTTTTGATGAA-3'
Protein context (NP_000273.2, residues 220-240): ASAGGGGKGM[Arg230His]IAWDDEETRD